The following is an entry in ClinVar:

ClinVar aggregate classification (germline): Uncertain significance (1 of 4 stars; one submission).

Allele frequency attached by ClinVar (database versions not stated): ExAC 0.00001; gnomAD 0.00001; TOPMed 0.00002.
gnomAD v4.1: 12 of 1,614,036 alleles (0.00074%); highest among the groups gnomAD compares: Admixed American, 0.02%; no homozygotes.

Submission:

Labcorp Genetics (formerly Invitae), Labcorp
Classification: Uncertain significance. Last evaluated: 2021-12-18. Review status: criteria provided, single submitter. Criteria: Invitae Variant Classification Sherloc (09022015). Collection method: clinical testing. Allele origin: germline.
Comment: In summary, the available evidence is currently insufficient to determine the role of this variant in disease. Therefore, it has been classified as a Variant of Uncertain Significance. Algorithms developed to predict the effect of missense changes on protein structure and function are either unavailable or do not agree on the potential impact of this missense change (SIFT: "Deleterious"; PolyPhen-2: "Probably Damaging"; Align-GVGD: "Class C15"). This variant has not been reported in the literature in individuals affected with C1QBP-related conditions. This variant is present in population databases (rs752226762, gnomAD 0.02%). This sequence change replaces serine, which is neutral and polar, with arginine, which is basic and polar, at codon 138 of the C1QBP protein (p.Ser138Arg).

NM_001212.4(C1QBP):c.412A>C (p.Ser138Arg)

Gene: C1QBP (complement C1q binding protein; minus strand). Cytogenetic location: 17p13.2.
Variant type: single nucleotide variant.
Coding change: c.412A>C on transcript NM_001212.4 (MANE Select); coding-DNA position 412, A replaced by C.
Protein change: p.Ser138Arg; replaces serine 138 with arginine.
Molecular consequence: missense variant.
Genome position (GRCh38, 1-based): chr17:5,434,938, T>G on the plus strand (A>C on the coding strand, the complement: C1QBP is on the minus strand). VCF-style: chr17-5434938-T-G. GRCh37 (hg19) VCF-style: chr17-5338258-T-G.
Other names: short protein forms S138R.
Identifiers: ClinVar variation 1921972 (VCV001921972.3), dbSNP rs752226762, ClinGen allele CA8325289.